The following is an entry in ClinVar:

NM_006431.3(CCT2):c.1568C>G (p.Ala523Gly)

Gene: CCT2 (chaperonin containing TCP1 subunit 2; plus strand). Cytogenetic location: 12q15.
Variant type: single nucleotide variant.
Coding change: c.1568C>G on transcript NM_006431.3 (MANE Select); coding-DNA position 1568, C replaced by G.
Protein change: p.Ala523Gly; replaces alanine 523 with glycine.
Molecular consequence: missense variant.
Genome position (GRCh38, 1-based): chr12:69,599,995, C>G. VCF-style: chr12-69599995-C-G. GRCh37 (hg19) VCF-style: chr12-69993775-C-G.
Other names: c.1427C>G, p.Ala476Gly (NM_001198842.2); short protein forms A476G, A523G.
Identifiers: ClinVar variation 1911183 (VCV001911183.5), dbSNP rs752254462, ClinGen allele CA239120921.

ClinVar aggregate classification (germline): Uncertain significance (1 of 4 stars; one submission).

Allele frequency attached by ClinVar (database versions not stated): gnomAD 0.00001.
gnomAD v4.1: 15 of 1,610,718 alleles (0.00093%); highest among the groups gnomAD compares: Non-Finnish European, 0.0013%; no homozygotes.

Submission:

Labcorp Genetics (formerly Invitae), Labcorp
Classification: Uncertain significance. Last evaluated: 2026-01-12. Review status: criteria provided, single submitter. Criteria: Invitae Variant Classification Sherloc (09022015). Collection method: clinical testing. Allele origin: germline.
Comment: This sequence change replaces alanine, which is neutral and non-polar, with glycine, which is neutral and non-polar, at codon 523 of the CCT2 protein (p.Ala523Gly). This variant is present in population databases (no rsID available, gnomAD 0.002%). This variant has not been reported in the literature in individuals affected with CCT2-related conditions. ClinVar contains an entry for this variant (Variation ID: 1911183). An algorithm developed to predict the effect of missense changes on protein structure and function (PolyPhen-2) suggests that this variant is likely to be tolerated. In summary, the available evidence is currently insufficient to determine the role of this variant in disease. Therefore, it has been classified as a Variant of Uncertain Significance.